The following is an entry in ClinVar:

NM_032242.4(PLXNA1):c.649G>A (p.Gly217Ser)

Gene: PLXNA1 (plexin A1; plus strand). Cytogenetic location: 3q21.3.
Variant type: single nucleotide variant.
Coding change: c.649G>A on transcript NM_032242.4 (MANE Select); coding-DNA position 649, G replaced by A.
Protein change: p.Gly217Ser; replaces glycine 217 with serine.
Molecular consequence: missense variant.
Genome position (GRCh38, 1-based): chr3:126,989,242, G>A. VCF-style: chr3-126989242-G-A. GRCh37 (hg19) VCF-style: chr3-126708085-G-A.
Other names: short protein forms G217S.
Identifiers: ClinVar variation 2594826 (VCV002594826.7), dbSNP rs529263070, ClinGen allele CA2593018.

ClinVar aggregate classification (germline): Uncertain significance. Review status: criteria provided, multiple submitters, no conflicts (2 of 4 stars). 3 submissions from 3 submitters: Uncertain significance (3). Last evaluated 2026-09-01.

Conditions:
PLXNA1-related disorder. Also called: PLXNA1-related condition.

Allele frequency attached by ClinVar (database versions not stated): ExAC 0.00002; TOPMed 0.00004; gnomAD 0.00005; 1000 Genomes Project 0.00020; 1000 Genomes Project 30x 0.00031.

Submissions (3):

PreventionGenetics, part of Exact Sciences
Classification: Uncertain significance for PLXNA1-related condition. Last evaluated: 2026-09-01. Review status: criteria provided, single submitter. Criteria: ACMG Guidelines, 2015. Collection method: clinical testing. Allele origin: germline.
Comment: The PLXNA1 c.649G>A variant is predicted to result in the amino acid substitution p.Gly217Ser. To our knowledge, this variant has not been reported in the literature. This variant is reported in 0.010% of alleles in individuals of East Asian descent in gnomAD. At this time, the clinical significance of this variant is uncertain due to the absence of conclusive functional and genetic evidence.

Dasa
Classification: Uncertain significance. Last evaluated: 2025-12-22. Review status: criteria provided, single submitter. Criteria: DASA Assertion Criteria. Collection method: clinical testing. Allele origin: germline.
Comment: NM_032242.4(PLXNA1):c.649G>A (p.Gly217Ser) is a missense variant that results in the substitution of glycine with serine. This variant is rare in population databases. Computational prediction algorithms are consistent with a benign effect. The currently available literature and clinical evidence are not sufficient to establish a definitive association between this variant and the reported condition. Therefore, this variant is classified as a variant of uncertain significance.

Ambry Genetics
Classification: Uncertain significance. Last evaluated: 2025-08-27. Review status: criteria provided, single submitter. Criteria: Ambry Variant Classification Scheme 2023. Collection method: clinical testing. Allele origin: germline.